The following is an entry in ClinVar:

NM_006371.5(CRTAP):c.*1582C>A

Gene: CRTAP (cartilage associated protein; plus strand). Cytogenetic location: 3p22.3.
Variant type: single nucleotide variant.
Coding change: c.*1582C>A on transcript NM_006371.5 (MANE Select); 1582 bases downstream of the stop codon, C replaced by A.
Molecular consequence: 3 prime UTR variant.
Genome position (GRCh38, 1-based): chr3:33,144,030, C>A. VCF-style: chr3-33144030-C-A. GRCh37 (hg19) VCF-style: chr3-33185522-C-A.
Other names: c.*1582C>A (NM_001393363.1, NM_001393364.1, NM_001393365.1).
Identifiers: ClinVar variation 344840 (VCV000344840.6), dbSNP rs1137463, ClinGen allele CA10618475.
Genomic context (GRCh38, chr3:33,144,030, plus strand): 5'-AGGGTTTGAACAGAGGAGTGCCTTGATTGATTTATATTTTGCAAGGGTCATTCTAGCTGC[C>A]ATATTGTGAAAAACTTTAGTGGACAAGGGCAGAAGGAAGAGGGAAGACCTGTTAGGAAGC-3'

ClinVar aggregate classification (germline): Benign. Review status: criteria provided, multiple submitters, no conflicts (2 of 4 stars). 2 submissions from 2 submitters: Benign (2). Last evaluated 2018-01-13.

Conditions:
Osteogenesis imperfecta type 7 (OI7). Also called: OI type 7; OI type VII; OSTEOGENESIS IMPERFECTA, TYPE IIB; Osteogenesis imperfecta type 2B; OI type 2B; Osteogenesis imperfecta, perinatal lethal autosomal recessive. Identifiers: MedGen C1853162, MONDO:0012536, OMIM 610682.

Allele frequency attached by ClinVar (database versions not stated): gnomAD 0.11766 and 0.12281; gnomAD exomes 0.12000; TOPMed 0.12658; 1000 Genomes Project 30x 0.14850; 1000 Genomes Project 0.15335.
gnomAD v4.1: 18,767 of 152,202 alleles (12%); highest among the groups gnomAD compares: East Asian, 28%; 1,389 homozygotes.

Submissions (2):

Illumina Laboratory Services, Illumina
Classification: Benign for Osteogenesis imperfecta type 7. Last evaluated: 2018-01-13. Review status: criteria provided, single submitter. Criteria: ICSL Variant Classification Criteria 13 December 2019. Collection method: clinical testing. Allele origin: germline.
Comment: This variant was observed in the ICSL laboratory as part of a predisposition screen in an ostensibly healthy population. It had not been previously curated by ICSL or reported in the Human Gene Mutation Database (HGMD: prior to June 1st, 2018), and was therefore a candidate for classification through an automated scoring system. Utilizing variant allele frequency, disease prevalence and penetrance estimates, and inheritance mode, an automated score was calculated to assess if this variant is too frequent to cause the disease. Based on the score and internal cut-off values, a variant classified as benign is not then subjected to further curation. The score for this variant resulted in a classification of benign for this disease.

Breakthrough Genomics
Classification: Benign. Review status: criteria provided, single submitter. Criteria: ACMG Guidelines, 2015. Collection method: not provided. Allele origin: germline. Inheritance: Autosomal recessive inheritance. Affected: yes.